The following is an entry in ClinVar:

NM_000257.4(MYH7):c.531-13_531-8del

Gene: MYH7 (myosin heavy chain 7; minus strand). Cytogenetic location: 14q11.2.
Variant type: Deletion.
Coding change: c.531-13_531-8del on transcript NM_000257.4 (MANE Select); 13 bases into the intron before coding-DNA position 531 through 8 bases into the intron before coding-DNA position 531, 6 bases deleted (CCTGTC; older notation c.531-13_531-8delCCTGTC).
Molecular consequence: intron variant.
Genome position (GRCh38, 1-based): chr14:23,431,877-23,431,882, GACAGG deleted on the plus strand (CCTGTC on the coding strand, the reverse complement: MYH7 is on the minus strand); deleting any 6 consecutive bases within chr14:23,431,877-23,431,883 gives the same sequence; the c. name uses the placement nearest the transcript's 3' end. VCF-style (leftmost placement, unchanged base first): chr14-23431876-AGACAGG-A. GRCh37 (hg19) VCF-style: chr14-23901085-AGACAGG-A.
Identifiers: ClinVar variation 2012938 (VCV002012938.4), dbSNP rs2502314167, ClinGen allele CA2580088030.

ClinVar aggregate classification (germline): Uncertain significance (1 of 4 stars; one submission).

Conditions:
Hypertrophic cardiomyopathy. Also called: HYPERTROPHIC MYOCARDIOPATHY. Identifiers: Orphanet 217569, MedGen C0007194, MeSH D002312, MONDO:0005045, HP:0001639.

Submission:

Labcorp Genetics (formerly Invitae), Labcorp
Classification: Uncertain significance for Hypertrophic cardiomyopathy. Last evaluated: 2022-07-01. Review status: criteria provided, single submitter. Criteria: Invitae Variant Classification Sherloc (09022015). Collection method: clinical testing. Allele origin: germline.
Comment: Algorithms developed to predict the effect of sequence changes on RNA splicing suggest that this variant may disrupt the consensus splice site. This variant has not been reported in the literature in individuals affected with MYH7-related conditions. This variant is not present in population databases (gnomAD no frequency). This sequence change falls in intron 6 of the MYH7 gene. It does not directly change the encoded amino acid sequence of the MYH7 protein. In summary, the available evidence is currently insufficient to determine the role of this variant in disease. Therefore, it has been classified as a Variant of Uncertain Significance.